The following is an entry in ClinVar:

NM_001018115.3(FANCD2):c.4281+90T>C

Genes: FANCD2 (FA complementation group D2; plus strand), FANCD2OS (FANCD2 opposite strand; minus strand). Cytogenetic location: 3p25.3.
Variant type: single nucleotide variant.
Coding change: c.4281+90T>C on transcript NM_001018115.3 (MANE Select); 90 bases into the intron after coding-DNA position 4281, T replaced by C.
Molecular consequence: intron variant. On other transcripts: synonymous variant (2).
Genome position (GRCh38, 1-based): chr3:10,098,905, T>C. VCF-style: chr3-10098905-T-C. GRCh37 (hg19) VCF-style: chr3-10140589-T-C.
Other names: c.4332T>C, p.Tyr1444= (NM_001374254.1); c.4371T>C, p.Tyr1457= (NM_033084.6); c.4281+90T>C (NM_001319984.2); c.4170+90T>C (NM_001374253.1); c.*43+5293A>G (NM_173472.2).
Identifiers: ClinVar variation 2714717 (VCV002714717.4), dbSNP rs749394475, ClinGen allele CA2250681.

ClinVar aggregate classification (germline): Likely benign. Review status: criteria provided, single submitter (1 of 4 stars). 2 submissions from 2 submitters: Likely benign (1). 1 of the submissions does not count toward it. Last evaluated 2024-04-30.

Conditions:
Fanconi anemia (FA). Also called: Fanconi's anemia. Identifiers: Orphanet 84, MedGen C0015625, MeSH D005199, MONDO:0019391.
FANCD2-related disorder. Also called: FANCD2-related condition.

Allele frequency attached by ClinVar (database versions not stated): gnomAD exomes 0.00002; ExAC 0.00001; gnomAD 0.00001.

Submissions (2):

Labcorp Genetics (formerly Invitae), Labcorp
Classification: Likely benign for Fanconi anemia. Last evaluated: 2024-04-30. Review status: criteria provided, single submitter. Criteria: Invitae Variant Classification Sherloc (09022015). Collection method: clinical testing. Allele origin: germline.

PreventionGenetics, part of Exact Sciences
Classification: Likely benign for FANCD2-related condition. Last evaluated: 2024-05-31. Review status: no assertion criteria provided. Collection method: clinical testing. Allele origin: germline. Not counted in ClinVar's aggregate classification.
Comment: This variant is classified as likely benign based on ACMG/AMP sequence variant interpretation guidelines (Richards et al. 2015 PMID: 25741868, with internal and published modifications).